The following is an entry in ClinVar:

ClinVar aggregate classification (germline): Uncertain significance (1 of 4 stars; one submission).

Conditions:
Familial thoracic aortic aneurysm and aortic dissection (TAAD). Also called: Thoracic aortic aneurysms and dissections. Identifiers: Orphanet 91387, MedGen C4707243, MONDO:0019625.

Submission:

Color Diagnostics, LLC DBA Color Health
Classification: Uncertain significance for Familial thoracic aortic aneurysm and aortic dissection. Last evaluated: 2024-03-06. Review status: criteria provided, single submitter. Criteria: ACMG Guidelines, 2015. Collection method: clinical testing. Allele origin: germline.
Comment: This missense variant replaces valine with leucine at codon 415 of the MYH11 protein. Computational prediction suggests that this variant may have deleterious impact on protein structure and function (internally defined REVEL score threshold >= 0.7, PMID: 27666373). Splice site prediction tools suggest that this variant may not impact RNA splicing. To our knowledge, functional studies have not been performed for this variant. This variant has not been reported in individuals affected with cardiovascular disorders in the literature. This variant has not been identified in the general population by the Genome Aggregation Database (gnomAD). The available evidence is insufficient to determine the role of this variant in disease conclusively. Therefore, this variant is classified as a Variant of Uncertain Significance.

NM_002474.3(MYH11):c.1222G>T (p.Val408Leu)

Gene: MYH11 (myosin heavy chain 11; minus strand). Cytogenetic location: 16p13.11.
Variant type: single nucleotide variant.
Coding change: c.1222G>T on transcript NM_002474.3 (MANE Select); coding-DNA position 1222, G replaced by T.
Protein change: p.Val408Leu; replaces valine 408 with leucine.
Molecular consequence: missense variant.
Genome position (GRCh38, 1-based): chr16:15,760,566, C>A on the plus strand (G>T on the coding strand, the complement: MYH11 is on the minus strand). VCF-style: chr16-15760566-C-A. GRCh37 (hg19) VCF-style: chr16-15854423-C-A.
Other names: c.1243G>T, p.Val415Leu (NM_001040113.2, NM_001040114.2); c.1222G>T, p.Val408Leu (NM_022844.3); short protein forms V408L, V415L.
Identifiers: ClinVar variation 919742 (VCV000919742.4), dbSNP rs2041845331, ClinGen allele CA394872884.